The following is an entry in ClinVar:

ClinVar aggregate classification (germline): Uncertain significance (1 of 4 stars; one submission).

Conditions:
Hereditary cancer-predisposing syndrome. Also called: Neoplastic Syndromes, Hereditary; Hereditary Cancer Syndrome; Hereditary neoplastic syndrome; Tumor predisposition. Identifiers: Orphanet 140162, MedGen C0027672, MeSH D009386, MONDO:0015356.

Submission:

Ambry Genetics
Classification: Uncertain significance for Hereditary cancer-predisposing syndrome. Last evaluated: 2023-05-18. Review status: criteria provided, single submitter. Criteria: Ambry Variant Classification Scheme 2023. Collection method: clinical testing. Allele origin: germline.
Comment: The p.E877V variant (also known as c.2630A>T), located in coding exon 4 of the MSH6 gene, results from an A to T substitution at nucleotide position 2630. The glutamic acid at codon 877 is replaced by valine, an amino acid with dissimilar properties. This amino acid position is conserved. In addition, the in silico prediction for this alteration is inconclusive. Since supporting evidence is limited at this time, the clinical significance of this alteration remains unclear.

NM_000179.3(MSH6):c.2630A>T (p.Glu877Val)

Gene: MSH6 (mutS homolog 6; plus strand). Cytogenetic location: 2p16.3.
Variant type: single nucleotide variant.
Coding change: c.2630A>T on transcript NM_000179.3 (MANE Select); coding-DNA position 2630, A replaced by T.
Protein change: p.Glu877Val; replaces glutamic acid 877 with valine.
Molecular consequence: missense variant. On other transcripts: non-coding transcript variant (5), intron variant (3).
Genome position (GRCh38, 1-based): chr2:47,800,613, A>T. VCF-style: chr2-47800613-A-T. GRCh37 (hg19) VCF-style: chr2-48027752-A-T.
Other names: c.2240A>T, p.Glu747Val (NM_001281492.2); c.1724A>T, p.Glu575Val (NM_001281493.2, NM_001281494.2, NM_001406811.1 and 6 more transcripts); c.2726A>T, p.Glu909Val (NM_001406795.1, NM_001406802.1); c.2630A>T, p.Glu877Val (NM_001406796.1, NM_001406798.1, NM_001406800.1 and 2 more transcripts); c.2333A>T, p.Glu778Val (NM_001406797.1, NM_001406801.1, NM_001406805.1 and 10 more transcripts); c.2105A>T, p.Glu702Val (NM_001406799.1, NM_001406806.1, NM_001406807.1); c.2552A>T, p.Glu851Val (NM_001406804.1); c.2636A>T, p.Glu879Val (NM_001406813.1); and 4 more; short protein forms E702V, E778V, E879V, E909V, E851V, E575V, E821V, E877V.
Identifiers: ClinVar variation 2561256 (VCV002561256.2), dbSNP rs1060502873, ClinGen allele CA346755074.